The following is an entry in ClinVar:

ClinVar aggregate classification (germline): Uncertain significance (1 of 4 stars; one submission).

Conditions:
Perlman syndrome (PRLMNS). Identifiers: Orphanet 2849, MedGen C0796113, MONDO:0009965, OMIM 267000.

Allele frequency attached by ClinVar (database versions not stated): gnomAD exomes below 0.00001 and 0.00001; ExAC 0.00001.
gnomAD v4.1: 2 of 1,614,154 alleles (0.00012%); highest among the groups gnomAD compares: Admixed American, 0.0033%; 1 homozygote.

Submission:

Labcorp Genetics (formerly Invitae), Labcorp
Classification: Uncertain significance for Perlman syndrome. Last evaluated: 2024-10-15. Review status: criteria provided, single submitter. Criteria: Invitae Variant Classification Sherloc (09022015). Collection method: clinical testing. Allele origin: germline.
Comment: This sequence change replaces proline, which is neutral and non-polar, with alanine, which is neutral and non-polar, at codon 472 of the DIS3L2 protein (p.Pro472Ala). This variant is present in population databases (rs761149562, gnomAD 0.006%). This variant has not been reported in the literature in individuals affected with DIS3L2-related conditions. ClinVar contains an entry for this variant (Variation ID: 1042325). Invitae Evidence Modeling of protein sequence and biophysical properties (such as structural, functional, and spatial information, amino acid conservation, physicochemical variation, residue mobility, and thermodynamic stability) indicates that this missense variant is not expected to disrupt DIS3L2 protein function with a negative predictive value of 80%. In summary, the available evidence is currently insufficient to determine the role of this variant in disease. Therefore, it has been classified as a Variant of Uncertain Significance.

NM_152383.5(DIS3L2):c.1414C>G (p.Pro472Ala)

Gene: DIS3L2 (DIS3 like 3'-5' exoribonuclease 2; plus strand). Cytogenetic location: 2q37.1.
Variant type: single nucleotide variant.
Coding change: c.1414C>G on transcript NM_152383.5 (MANE Select); coding-DNA position 1414, C replaced by G.
Protein change: p.Pro472Ala; replaces proline 472 with alanine.
Molecular consequence: missense variant. On other transcripts: non-coding transcript variant (2).
Genome position (GRCh38, 1-based): chr2:232,249,335, C>G. VCF-style: chr2-232249335-C-G. GRCh37 (hg19) VCF-style: chr2-233114045-C-G.
Other names: c.1414C>G, p.Pro472Ala (NM_001257281.2); short protein forms P472A.
Identifiers: ClinVar variation 1042325 (VCV001042325.8), dbSNP rs761149562, ClinGen allele CA2164136.